The following is an entry in ClinVar:

ClinVar aggregate classification (germline): Pathogenic (1 of 4 stars; one submission).

Conditions:
Pitt-Hopkins syndrome (PTHS). Also called: ENCEPHALOPATHY, SEVERE EPILEPTIC, WITH AUTONOMIC DYSFUNCTION; MENTAL RETARDATION, SYNDROMAL, WITH INTERMITTENT HYPERVENTILATION. Identifiers: Orphanet 2896, MedGen C1970431, MONDO:0012589, OMIM 610954.

Submission:

Labcorp Genetics (formerly Invitae), Labcorp
Classification: Pathogenic for Pitt-Hopkins syndrome. Last evaluated: 2021-07-30. Review status: criteria provided, single submitter. Criteria: Invitae Variant Classification Sherloc (09022015). Collection method: clinical testing. Allele origin: germline.
Comment: This variant is a gross deletion of the genomic region encompassing exon(s) 6-15 of the TCF4 gene. This deletion is out-of-frame, and is expected to create a premature translational stop signal and result in an absent or disrupted protein product. Loss-of-function variants in TCF4 are known to be pathogenic (PMID: 18728071, 22045651). For these reasons, this variant has been classified as Pathogenic. This variant has not been reported in the literature in individuals affected with TCF4-related conditions.

Literature cited by the submitters: PubMed 18728071; PubMed 22045651.

NC_000018.9:g.(?_52921708)_(53070769_?)del

Gene: TCF4 (transcription factor 4; minus strand). Cytogenetic location: 18q21.2.
Variant type: Deletion.
Identifiers: ClinVar variation 1458548 (VCV001458548.4).